The following is an entry in ClinVar:

ClinVar aggregate classification (germline): Likely benign (1 of 4 stars; one submission).

Allele frequency attached by ClinVar (database versions not stated): 1000 Genomes Project 30x 0.00297; gnomAD 0.00301; 1000 Genomes Project 0.00339.
gnomAD v4.1: 834 of 1,397,868 alleles (0.06%); highest among the groups gnomAD compares: African/African-American, 1.1%; 3 homozygotes.

Submission:

GeneDx
Classification: Likely benign. Last evaluated: 2021-03-04. Review status: criteria provided, single submitter. Criteria: GeneDx Variant Classification Process June 2021. Collection method: clinical testing. Allele origin: germline. Affected: yes.
Comment: See Variant Classification Assertion Criteria.

NM_001189.4(NKX3-2):c.466+62C>G

Gene: NKX3-2 (NK3 homeobox 2; minus strand). Cytogenetic location: 4p15.33.
Variant type: single nucleotide variant.
Coding change: c.466+62C>G on transcript NM_001189.4 (MANE Select); 62 bases into the intron after coding-DNA position 466, C replaced by G.
Molecular consequence: intron variant.
Genome position (GRCh38, 1-based): chr4:13,543,887, G>C on the plus strand (C>G on the coding strand, the complement: NKX3-2 is on the minus strand). VCF-style: chr4-13543887-G-C. GRCh37 (hg19) VCF-style: chr4-13545511-G-C.
Identifiers: ClinVar variation 1706773 (VCV001706773.2), dbSNP rs371195747, ClinGen allele CA92472987.
Genomic context (GRCh38, chr4:13,543,887, plus strand): 5'-GATTTGGCCAGCCTCCGAGCCCCAGGGCGCAGGGTGCTCAAGCCGACCACCCCACTCGGC[G>C]TGGTTGCCCTCCGCGTCCATCCCCTCAGCCCGGCCCCCATCCCCGCGAAGCCGCAGCAGA-3'